The following is an entry in ClinVar:

ClinVar aggregate classification (germline): Uncertain significance. Review status: criteria provided, single submitter (1 of 4 stars). 2 submissions from 2 submitters: Uncertain significance (1). 1 of the submissions does not count toward it. Last evaluated 2021-09-01.

Conditions:
Primary ciliary dyskinesia. Also called: Ciliary dyskinesia. Identifiers: Orphanet 244, MedGen C0008780, MONDO:0016575, HP:0012265.

Allele frequency attached by ClinVar (database versions not stated): gnomAD exomes below 0.00001 and 0.00001; ExAC 0.00001; TOPMed 0.00001.
gnomAD v4.1: 4 of 1,614,060 alleles (0.00025%); highest among the groups gnomAD compares: South Asian, 0.0033%; no homozygotes.

Submissions (2):

Labcorp Genetics (formerly Invitae), Labcorp
Classification: Uncertain significance for Primary ciliary dyskinesia. Last evaluated: 2021-09-01. Review status: criteria provided, single submitter. Criteria: Invitae Variant Classification Sherloc (09022015). Collection method: clinical testing. Allele origin: germline.
Comment: This sequence change replaces glutamic acid with aspartic acid at codon 1813 of the DNAH5 protein (p.Glu1813Asp). The glutamic acid residue is moderately conserved and there is a small physicochemical difference between glutamic acid and aspartic acid. This variant is present in population databases (rs754274080, ExAC 0.01%). This variant has not been reported in the literature in individuals affected with DNAH5-related conditions. Algorithms developed to predict the effect of missense changes on protein structure and function (SIFT, PolyPhen-2, Align-GVGD) all suggest that this variant is likely to be tolerated. In summary, the available evidence is currently insufficient to determine the role of this variant in disease. Therefore, it has been classified as a Variant of Uncertain Significance.

Natera, Inc.
Classification: Uncertain significance for Primary ciliary dyskinesia. Last evaluated: 2020-02-13. Review status: no assertion criteria provided. Collection method: clinical testing. Allele origin: germline. Not counted in ClinVar's aggregate classification.

NM_001369.3(DNAH5):c.5439A>T (p.Glu1813Asp)

Gene: DNAH5 (dynein axonemal heavy chain 5; minus strand). Cytogenetic location: 5p15.2.
Variant type: single nucleotide variant.
Coding change: c.5439A>T on transcript NM_001369.3 (MANE Select); coding-DNA position 5439, A replaced by T.
Protein change: p.Glu1813Asp; replaces glutamic acid 1813 with aspartic acid.
Molecular consequence: missense variant.
Genome position (GRCh38, 1-based): chr5:13,841,737, T>A on the plus strand (A>T on the coding strand, the complement: DNAH5 is on the minus strand). VCF-style: chr5-13841737-T-A. GRCh37 (hg19) VCF-style: chr5-13841846-T-A.
Other names: short protein forms E1813D.
Identifiers: ClinVar variation 968169 (VCV000968169.10), dbSNP rs754274080, ClinGen allele CA3203674.